The following continues an entry in ClinVar:

NM_000053.4(ATP7B):c.2827G>A (p.Gly943Ser)

Gene: ATP7B. ClinVar aggregate classification (germline): Pathogenic. Pathogenic (14).

Submissions 13 to 16 of 16:

Women's Health and Genetics/Laboratory Corporation of America, LabCorp
Classification: Pathogenic for Wilson disease. Last evaluated: 2016-02-16. Review status: criteria provided, single submitter. Criteria: LabCorp Variant Classification Summary - May 2015. Collection method: clinical testing. Allele origin: germline.
Comment: Variant summary: c.2827G>A affects a conserved nucleotide, resulting in amino acid change from Gly to Ser. 5/5 in-silico tools predict this variant to be damaging. This variant was found in 2/120362 control chromosomes at a frequency of 0.0000166, which does not exceed maximal expected frequency of a pathogenic allele (0.0054006). This variant has been reported in multiple affected individuals and functional studies showed that variant had impaired ability to complement the high-affinity iron-uptake deficiency of the yeast mutant, and despite the normal localization of variant to the Golgi network of CHO cells, variant was non-responsive to copper and exhibited no obvious copper-induced redistribution (Forbes_1998 and 2000). Taken together, this variant was classified as a Pathogenic.

Juno Genomics, Hangzhou Juno Genomics, Inc
Classification: Pathogenic for Wilson disease. Review status: criteria provided, single submitter. Criteria: ACMG Guidelines, 2015. Collection method: clinical testing. Allele origin: germline. Affected: yes.
Comment: Absent from controls (or at extremely low frequency if recessive) in Genome Aggregation Database, Exome Sequencing Project, 1000 Genomes Project, or Exome Aggregation Consortium.;Multiple lines of computational evidence support a deleterious effect on the gene or gene product (conservation, evolutionary, splicing impact, etc).;For recessive disorders, detected in trans with a pathogenic variant.

Counsyl
Classification: Likely pathogenic for Wilson disease. Last evaluated: 2019-01-22. Review status: no assertion criteria provided. Collection method: clinical testing. Allele origin: unknown. Not counted in ClinVar's aggregate classification.

OMIM
Classification: Pathogenic for WILSON DISEASE. Last evaluated: 1995-02-01. Review status: no assertion criteria provided. Collection method: literature only. Allele origin: germline. Not counted in ClinVar's aggregate classification.

Literature cited by the submitters: PubMed 27022412 (cited by 8 submitters); PubMed 35220961 (cited by Natera, Inc.); PubMed 7626145 (cited by 9 submitters); PubMed 8533760 (cited by 5 submitters); PubMed 11243728 (cited by 8 submitters); PubMed 15952988 (cited by 7 submitters); PubMed 16603785 (cited by 4 submitters); PubMed 17587212 (cited by 6 submitters); PubMed 18728530 (cited by 6 submitters); PubMed 21645214 (cited by 5 submitters); PubMed 23333878 (cited by 5 submitters); PubMed 30232804 (cited by 4 submitters); PubMed 30884209 (cited by 3 submitters); PubMed 10942420 (cited by 7 submitters); PubMed 16088907 (cited by Labcorp Genetics (formerly Invitae), Labcorp); PubMed 27930511 (cited by Labcorp Genetics (formerly Invitae), Labcorp and Laboratory for Molecular Medicine, Mass General Brigham Personalized Medicine); PubMed 28212618 (cited by Labcorp Genetics (formerly Invitae), Labcorp); PubMed 9837819 (cited by 6 submitters); PubMed 35245129 (cited by All of Us Research Program, National Institutes of Health and Color Diagnostics, LLC DBA Color Health); PubMed 28433102 (cited by Laboratory for Molecular Medicine, Mass General Brigham Personalized Medicine); PubMed 17717039 (cited by Laboratory for Molecular Medicine, Mass General Brigham Personalized Medicine); PubMed 14761325 (cited by Mayo Clinic Laboratories, Mayo Clinic and Counsyl); PubMed 16868807 (cited by Mayo Clinic Laboratories, Mayo Clinic and Counsyl); PubMed 22692182 (cited by Mayo Clinic Laboratories, Mayo Clinic); PubMed 24253677 (cited by Mayo Clinic Laboratories, Mayo Clinic).